The following is an entry in ClinVar:

ClinVar aggregate classification (germline): Uncertain significance (1 of 4 stars; one submission).

Submission:

GeneDx
Classification: Uncertain significance. Last evaluated: 2024-07-29. Review status: criteria provided, single submitter. Criteria: GeneDx Variant Classification Process June 2021. Collection method: clinical testing. Allele origin: germline. Affected: yes.
Comment: Not observed at significant frequency in large population cohorts (gnomAD); In silico analysis indicates that this missense variant does not alter protein structure/function; Has not been previously published as pathogenic or benign to our knowledge

NM_021224.6(ZNF462):c.5821G>A (p.Ala1941Thr)

Gene: ZNF462 (zinc finger protein 462; plus strand). Cytogenetic location: 9q31.2.
Variant type: single nucleotide variant.
Coding change: c.5821G>A on transcript NM_021224.6 (MANE Select); coding-DNA position 5821, G replaced by A.
Protein change: p.Ala1941Thr; replaces alanine 1941 with threonine.
Molecular consequence: missense variant. On other transcripts: intron variant (1).
Genome position (GRCh38, 1-based): chr9:106,929,733, G>A. VCF-style: chr9-106929733-G-A. GRCh37 (hg19) VCF-style: chr9-109692014-G-A.
Other names: c.3253-792G>A (NM_001347997.2); short protein forms A1941T.
Identifiers: ClinVar variation 3602352 (VCV003602352.1).
Genomic context (GRCh38, chr9:106,929,733, plus strand): 5'-CGTGCCAAACGTCAGGAGAGGAGGAAACAGCTTTTGAGCAAGCAGAAATATGCAGATGGT[G>A]CTTTTGCAGATTTCAAACAAGAGAGGGTAAGGATATGTTTTGATTTCCCTTCCCCCAGGA-3'
Protein context (NP_067047.4, residues 1931-1951): LLSKQKYADG[Ala1941Thr]FADFKQERPF